The following is an entry in ClinVar:

ClinVar aggregate classification (germline): Uncertain significance. Review status: criteria provided, multiple submitters, no conflicts (2 of 4 stars). 2 submissions from 2 submitters: Uncertain significance (2). Last evaluated 2024-02-06.

Conditions:
Pheochromocytoma. Also called: MAX-Related Hereditary Paraganglioma-Pheochromocytoma Syndrome. Identifiers: Orphanet 29072, MedGen C0031511, MONDO:0008233, OMIM 171300, HP:0002666.
Pheochromocytoma/paraganglioma syndrome 4. Also called: CAROTID BODY TUMORS AND MULTIPLE EXTRAADRENAL PHEOCHROMOCYTOMAS; PARAGANGLIOMA, FAMILIAL MALIGNANT; PARAGANGLIOMAS, HEREDITARY EXTRAADRENAL; PHEOCHROMOCYTOMA, FAMILIAL EXTRAADRENAL; Paragangliomas 4; SDHB-Related Hereditary Paraganglioma-Pheochromocytoma Syndrome (Paragangliomas 4). Identifiers: Orphanet 29072, MedGen C1861848, MONDO:0007273, OMIM 115310.
Gastrointestinal stromal tumor. Also called: Gastrointestinal stromal tumor, somatic; Gastrointestinal stroma tumor. Identifiers: Orphanet 44890, MedGen C0238198, MeSH D046152, MONDO:0011719, OMIM 606764, HP:0100723.
Hereditary cancer-predisposing syndrome. Also called: Neoplastic Syndromes, Hereditary; Tumor predisposition; Hereditary Cancer Syndrome; Hereditary neoplastic syndrome. Identifiers: Orphanet 140162, MedGen C0027672, MeSH D009386, MONDO:0015356.

Submissions (2):

Labcorp Genetics (formerly Invitae), Labcorp
Classification: Uncertain significance for Gastrointestinal stromal tumor; Pheochromocytoma/paraganglioma syndrome 4; Pheochromocytoma. Last evaluated: 2024-02-06. Review status: criteria provided, single submitter. Criteria: Invitae Variant Classification Sherloc (09022015). Collection method: clinical testing. Allele origin: germline.
Comment: This sequence change replaces lysine, which is basic and polar, with arginine, which is basic and polar, at codon 255 of the SDHB protein (p.Lys255Arg). This variant is not present in population databases (gnomAD no frequency). This variant has not been reported in the literature in individuals affected with SDHB-related conditions. ClinVar contains an entry for this variant (Variation ID: 1759965). An algorithm developed to predict the effect of missense changes on protein structure and function (PolyPhen-2) suggests that this variant is likely to be disruptive. In summary, the available evidence is currently insufficient to determine the role of this variant in disease. Therefore, it has been classified as a Variant of Uncertain Significance.

Ambry Genetics
Classification: Uncertain significance for Hereditary cancer-predisposing syndrome. Last evaluated: 2021-08-19. Review status: criteria provided, single submitter. Criteria: Ambry Variant Classification Scheme 2023. Collection method: clinical testing. Allele origin: germline.
Comment: The p.K255R variant (also known as c.764A>G), located in coding exon 7 of the SDHB gene, results from an A to G substitution at nucleotide position 764. The lysine at codon 255 is replaced by arginine, an amino acid with highly similar properties. This amino acid position is highly conserved in available vertebrate species. In addition, this alteration is predicted to be deleterious by in silico analysis. Since supporting evidence is limited at this time, the clinical significance of this alteration remains unclear.

NM_003000.3(SDHB):c.764A>G (p.Lys255Arg)

Gene: SDHB (succinate dehydrogenase complex iron sulfur subunit B; minus strand). Cytogenetic location: 1p36.13.
Variant type: single nucleotide variant.
Coding change: c.764A>G on transcript NM_003000.3 (MANE Select); coding-DNA position 764, A replaced by G.
Protein change: p.Lys255Arg; replaces lysine 255 with arginine.
Molecular consequence: missense variant.
Genome position (GRCh38, 1-based): chr1:17,022,609, T>C on the plus strand (A>G on the coding strand, the complement: SDHB is on the minus strand). VCF-style: chr1-17022609-T-C. GRCh37 (hg19) VCF-style: chr1-17349104-T-C.
Other names: c.710A>G, p.Lys237Arg (NM_001407361.1); short protein forms K237R, K255R.
Identifiers: ClinVar variation 1759965 (VCV001759965.4), dbSNP rs2525003693, ClinGen allele CA338269959.
Genomic context (GRCh38, chr1:17,022,609, plus strand): 5'-CATGCTACTTCTGGCGTGTCAGCTCTGAGGCAGAGCTGAGGGTCACCAGCCCCACGTACC[T>C]TAGGACAGGTCCTTGTGCAGTTCATGATGGTGTGGCAGCGGTATAGAGAGAATGGGTCCT-3'
Protein context (NP_002991.2, residues 245-265): TIMNCTRTCP[Lys255Arg]GLNPGKAIAE